The following is an entry in ClinVar:

ClinVar aggregate classification (germline): Uncertain significance. Review status: criteria provided, multiple submitters, no conflicts (2 of 4 stars). 2 submissions from 2 submitters: Uncertain significance (2). Last evaluated 2026-01-09.

Conditions:
Benign neonatal seizures. Also called: Convulsions benign familial neonatal dominant form; Autosomal dominant form of benign neonatal seizures; Benign neonatal familial convulsions; Benign familial neonatal epilepsy; Benign familial neonatal seizures. Identifiers: Orphanet 1949, MedGen C0220669, MONDO:0016027.

Allele frequency attached by ClinVar (database versions not stated): gnomAD 0.00001; TOPMed 0.00001.
gnomAD v4.1: 2 of 1,613,128 alleles (0.00012%); highest among the groups gnomAD compares: African/African-American, 0.0013%; no homozygotes.

Submissions (2):

GeneDx
Classification: Uncertain significance. Last evaluated: 2026-01-09. Review status: criteria provided, single submitter. Criteria: GeneDx Variant Classification Process June 2021. Collection method: clinical testing. Allele origin: germline.
Comment: Not observed at significant frequency in large population cohorts (gnomAD); In silico analysis suggests that this missense variant does not alter protein structure/function; Has not been previously published as pathogenic or benign to our knowledge

Labcorp Genetics (formerly Invitae), Labcorp
Classification: Uncertain significance for Benign neonatal seizures. Last evaluated: 2022-12-12. Review status: criteria provided, single submitter. Criteria: Invitae Variant Classification Sherloc (09022015). Collection method: clinical testing. Allele origin: germline.
Comment: In summary, the available evidence is currently insufficient to determine the role of this variant in disease. Therefore, it has been classified as a Variant of Uncertain Significance. Advanced modeling of protein sequence and biophysical properties (such as structural, functional, and spatial information, amino acid conservation, physicochemical variation, residue mobility, and thermodynamic stability) performed at Invitae indicates that this missense variant is not expected to disrupt KCNQ3 protein function. This variant has not been reported in the literature in individuals affected with KCNQ3-related conditions. This variant is not present in population databases (gnomAD no frequency). This sequence change replaces lysine, which is basic and polar, with glutamic acid, which is acidic and polar, at codon 98 of the KCNQ3 protein (p.Lys98Glu).

NM_004519.4(KCNQ3):c.292A>G (p.Lys98Glu)

Gene: KCNQ3 (potassium voltage-gated channel subfamily Q member 3; minus strand). Cytogenetic location: 8q24.22.
Variant type: single nucleotide variant.
Coding change: c.292A>G on transcript NM_004519.4 (MANE Select); coding-DNA position 292, A replaced by G.
Protein change: p.Lys98Glu; replaces lysine 98 with glutamic acid.
Molecular consequence: missense variant.
Genome position (GRCh38, 1-based): chr8:132,480,241, T>C on the plus strand (A>G on the coding strand, the complement: KCNQ3 is on the minus strand). VCF-style: chr8-132480241-T-C. GRCh37 (hg19) VCF-style: chr8-133492488-T-C.
Other names: c.292A>G (NM_004519.3); short protein forms K98E.
Identifiers: ClinVar variation 2142124 (VCV002142124.6), dbSNP rs1439616512, ClinGen allele CA372292517.